The following is an entry in ClinVar:

NM_004444.5(EPHB4):c.2197G>T (p.Glu733Ter)

Gene: EPHB4 (EPH receptor B4; minus strand). Cytogenetic location: 7q22.1.
Variant type: single nucleotide variant.
Coding change: c.2197G>T on transcript NM_004444.5 (MANE Select); coding-DNA position 2197, G replaced by T.
Protein change: p.Glu733Ter; replaces glutamic acid 733 with a stop codon.
Molecular consequence: nonsense.
Genome position (GRCh38, 1-based): chr7:100,807,502, C>A on the plus strand (G>T on the coding strand, the complement: EPHB4 is on the minus strand). VCF-style: chr7-100807502-C-A. GRCh37 (hg19) VCF-style: chr7-100405124-C-A.
Other names: short protein forms E733*.
Identifiers: ClinVar variation 2502842 (VCV002502842.2), dbSNP rs776818724, ClinGen allele CA368569031.
Genomic context (GRCh38, chr7:100,807,502, plus strand): 5'-CGAGGTTGCTGTTGACTAGGATGTTGCGAGCAGCCAGGTCTCGGTGGACGTAGCTCATCT[C>A]GGCAAGGTACCGCATGCCCGAGGCGATGCCCCGCAGCATGCCCACGAGCTGGATGACTGT-3'

ClinVar aggregate classification (germline): Likely pathogenic (0 of 4 stars; one submission).

Conditions:
Capillary malformation-arteriovenous malformation 2 (CMAVM2). Identifiers: Orphanet 693912, MedGen C4748670, MONDO:0020785, OMIM 618196.

Submission:

Department Of Dermatology And Venereology, Fujian Medical University Union Hospital
Classification: Likely pathogenic for Capillary malformation-arteriovenous malformation 2. Review status: no assertion criteria provided. Collection method: clinical testing. Allele origin: germline. Inheritance: Autosomal dominant inheritance. Affected: yes.
Comment: Capillary malformation-arteriovenous malformation syndrome 2 (CM-AVM2) is an autosomal dominant condition associated with heterozygous pathogenic variants in the EPHB4 gene. It is characterized by multiple capillary malformations (CMs) with associated fast-flow vascular anomalies such as arteriovenous malformations (AVMs) and arteriovenous fistulas (AVF). In this work, we describe two CM-AVM2 families with two novel mutations in exon 13 of EPHB4 (NM_004444:c.2197G>T, p.E733X) and exon 14 of EPHB4 (NM_004444:c.2335-2A>T, p.E818Tfs*4). Combining our patients' genotypes and phenotypes, we demonstrated that CM-AVM2 was the definite diagnosis.

Literature cited by the submitters: PubMed 28687708.